The following is an entry in ClinVar:

NM_000669.5(ADH1C):c.402C>G (p.Ser134Arg)

Gene: ADH1C (alcohol dehydrogenase 1C (class I), gamma polypeptide; minus strand). Cytogenetic location: 4q23.
Variant type: single nucleotide variant.
Coding change: c.402C>G on transcript NM_000669.5 (MANE Select); coding-DNA position 402, C replaced by G.
Protein change: p.Ser134Arg; replaces serine 134 with arginine.
Molecular consequence: missense variant. On other transcripts: non-coding transcript variant (1).
Genome position (GRCh38, 1-based): chr4:99,345,027, G>C on the plus strand (C>G on the coding strand, the complement: ADH1C is on the minus strand). VCF-style: chr4-99345027-G-C. GRCh37 (hg19) VCF-style: chr4-100266184-G-C.
Other names: short protein forms S134R.
Identifiers: ClinVar variation 4243737 (VCV004243737.2).
Genomic context (GRCh38, chr4:99,345,027, plus strand): 5'-ATCCACCACTGTGTACTGGGAGAAGGTGCTGACGCCGACGAAGTGGTGGATGGGCTTCCC[G>C]CTGCAGGTGAACCTCCTGGTGCCATCCTGCAGGGTCCCCCGAGGATTGCCTAGACTGGGC-3'
Protein context (NP_000660.1, residues 124-144): LQDGTRRFTC[Ser134Arg]GKPIHHFVGV

ClinVar aggregate classification (germline): Conflicting classifications of pathogenicity. Review status: criteria provided, conflicting classifications (1 of 4 stars). 2 submissions from 2 submitters: Uncertain significance (1); Likely benign (1). Last evaluated 2026-05-29.

gnomAD v4.1: 31 of 1,614,156 alleles (0.0019%); highest among the groups gnomAD compares: Non-Finnish European, 0.0022%; no homozygotes.

Submissions (2):

Women's Health and Genetics/Laboratory Corporation of America, LabCorp
Classification: Uncertain significance. Last evaluated: 2026-05-29. Review status: criteria provided, single submitter. Criteria: LabCorp Variant Classification Summary - May 2015. Collection method: clinical testing. Allele origin: germline.
Comment: Variant summary: ADH1C c.402C>G (p.Ser134Arg) results in a non-conservative amino acid change in the encoded protein sequence. Algorithms developed to predict the effect of missense changes on protein structure and function are either unavailable or do not agree on the potential impact of this missense change. The variant allele was found at a frequency of 2e-05 in 251312 control chromosomes. The available data on variant occurrences in the general population are insufficient to allow any conclusion about variant significance. To our knowledge, no occurrence of c.402C>G in individuals affected with ADH1C-related conditions and no experimental evidence demonstrating its impact on protein function have been reported. ClinVar contains an entry for this variant (Variation ID: 4243737). Based on the evidence outlined above, the variant was classified as uncertain significance.

Ambry Genetics
Classification: Likely benign. Last evaluated: 2025-08-20. Review status: criteria provided, single submitter. Criteria: Ambry Variant Classification Scheme 2023. Collection method: clinical testing. Allele origin: germline.